The following is an entry in ClinVar:

NM_000535.7(PMS2):c.2445+4A>T

Gene: PMS2 (PMS1 homolog 2, mismatch repair system component; minus strand). Cytogenetic location: 7p22.1.
Variant type: single nucleotide variant.
Coding change: c.2445+4A>T on transcript NM_000535.7 (MANE Select); 4 bases into the intron after coding-DNA position 2445, A replaced by T.
Molecular consequence: intron variant.
Genome position (GRCh38, 1-based): chr7:5,977,584, T>A on the plus strand (A>T on the coding strand, the complement: PMS2 is on the minus strand). VCF-style: chr7-5977584-T-A. GRCh37 (hg19) VCF-style: chr7-6017215-T-A.
Other names: c.2127+4A>T (NM_001322008.2, NM_001406883.1, NM_001322007.2); c.2136+4A>T (NM_001406881.1, NM_001406879.1, NM_001322015.2 and 4 more transcripts); c.2040+4A>T (NM_001406895.1, NM_001322004.2, NM_001406889.1 and 11 more transcripts); c.1674+4A>T (NM_001406911.1); c.1884+4A>T (NM_001322010.2, NM_001406906.1, NM_001406907.1); c.1971+4A>T (NM_001406902.1, NM_001406901.1); c.1932+4A>T (NM_001406904.1, NM_001406905.1); c.1872+4A>T (NM_001322013.2, NM_001406908.1, NM_001406909.1); and 20 more.
Identifiers: ClinVar variation 3648401 (VCV003648401.2).

ClinVar aggregate classification (germline): Uncertain significance (1 of 4 stars; one submission).

Conditions:
Hereditary nonpolyposis colorectal neoplasms. Identifiers: MedGen C0009405, MeSH D003123.

Submission:

Labcorp Genetics (formerly Invitae), Labcorp
Classification: Uncertain significance for Hereditary nonpolyposis colorectal neoplasms. Last evaluated: 2024-04-02. Review status: criteria provided, single submitter. Criteria: Invitae Variant Classification Sherloc (09022015). Collection method: clinical testing. Allele origin: germline.
Comment: This sequence change falls in intron 14 of the PMS2 gene. It does not directly change the encoded amino acid sequence of the PMS2 protein. It affects a nucleotide within the consensus splice site. The frequency data for this variant in the population databases (gnomAD) is considered unreliable due to the presence of homologous sequence, such as pseudogenes or paralogs, in the genome. This variant has not been reported in the literature in individuals affected with PMS2-related conditions. Variants that disrupt the consensus splice site are a relatively common cause of aberrant splicing (PMID: 17576681, 9536098). Algorithms developed to predict the effect of sequence changes on RNA splicing suggest that this variant is not likely to affect RNA splicing. In summary, the available evidence is currently insufficient to determine the role of this variant in disease. Therefore, it has been classified as a Variant of Uncertain Significance.

Literature cited by the submitters: PubMed 17576681; PubMed 9536098.